The following is an entry in ClinVar:

ClinVar aggregate classification (germline): Uncertain significance (1 of 4 stars; one submission).

Submission:

Labcorp Genetics (formerly Invitae), Labcorp
Classification: Uncertain significance. Last evaluated: 2023-06-29. Review status: criteria provided, single submitter. Criteria: Invitae Variant Classification Sherloc (09022015). Collection method: clinical testing. Allele origin: germline.
Comment: In summary, the available evidence is currently insufficient to determine the role of this variant in disease. Therefore, it has been classified as a Variant of Uncertain Significance. Algorithms developed to predict the effect of sequence changes on RNA splicing suggest that this variant may create or strengthen a splice site. Advanced modeling of protein sequence and biophysical properties (such as structural, functional, and spatial information, amino acid conservation, physicochemical variation, residue mobility, and thermodynamic stability) performed at Invitae indicates that this missense variant is not expected to disrupt ANK3 protein function. ClinVar contains an entry for this variant (Variation ID: 1421857). This variant has not been reported in the literature in individuals affected with ANK3-related conditions. This variant is not present in population databases (gnomAD no frequency). This sequence change replaces aspartic acid, which is acidic and polar, with glutamic acid, which is acidic and polar, at codon 4273 of the ANK3 protein (p.Asp4273Glu).

NM_020987.5(ANK3):c.12819T>G (p.Asp4273Glu)

Gene: ANK3 (ankyrin 3; minus strand). Cytogenetic location: 10q21.2.
Variant type: single nucleotide variant.
Coding change: c.12819T>G on transcript NM_020987.5 (MANE Select); coding-DNA position 12819, T replaced by G.
Protein change: p.Asp4273Glu; replaces aspartic acid 4273 with glutamic acid.
Molecular consequence: missense variant.
Genome position (GRCh38, 1-based): chr10:60,055,904, A>C on the plus strand (T>G on the coding strand, the complement: ANK3 is on the minus strand). VCF-style: chr10-60055904-A-C. GRCh37 (hg19) VCF-style: chr10-61815662-A-C.
Other names: c.2691T>G, p.Asp897Glu (NM_001149.4); c.5271T>G, p.Asp1757Glu (NM_001204403.2); c.5292T>G, p.Asp1764Glu (NM_001204404.2); c.5289T>G, p.Asp1763Glu (NM_001320874.2); short protein forms D1757E, D4273E, D1763E, D1764E, D897E.
Identifiers: ClinVar variation 1421857 (VCV001421857.6), dbSNP rs2131914217, ClinGen allele CA376990486.